The following is an entry in ClinVar:

NM_014633.5(CTR9):c.109G>C (p.Glu37Gln)

Gene: CTR9 (CTR9 homolog, Paf1/RNA polymerase II complex component; plus strand). Cytogenetic location: 11p15.4.
Variant type: single nucleotide variant.
Coding change: c.109G>C on transcript NM_014633.5 (MANE Select); coding-DNA position 109, G replaced by C.
Protein change: p.Glu37Gln; replaces glutamic acid 37 with glutamine.
Molecular consequence: missense variant.
Genome position (GRCh38, 1-based): chr11:10,752,735, G>C. VCF-style: chr11-10752735-G-C. GRCh37 (hg19) VCF-style: chr11-10774282-G-C.
Other names: c.109G>C, p.Glu37Gln (NM_001346279.2); short protein forms E37Q.
Identifiers: ClinVar variation 1173019 (VCV001173019.2), dbSNP rs2135353178, ClinGen allele CA379675187.

ClinVar aggregate classification (germline): Likely pathogenic (1 of 4 stars; one submission).

Conditions:
CTR9-related neurodevelopmental disorder. Identifiers: MedGen CN378764, MONDO:1040006.

Submission:

Centre of Medical Genetics, University of Antwerp
Classification: Likely pathogenic for CTR9-related neurodevelopmental disorder. Last evaluated: 2021-04-01. Review status: criteria provided, single submitter. Criteria: ACMG Guidelines, 2015. Collection method: research. Allele origin: de novo. Affected: yes.
Comment: PS2, PM2, PP3